The following is an entry in ClinVar:

NM_006231.4(POLE):c.5447A>G (p.Asn1816Ser)

Gene: POLE (DNA polymerase epsilon, catalytic subunit; minus strand). Cytogenetic location: 12q24.33.
Variant type: single nucleotide variant.
Coding change: c.5447A>G on transcript NM_006231.4 (MANE Select); coding-DNA position 5447, A replaced by G.
Protein change: p.Asn1816Ser; replaces asparagine 1816 with serine.
Molecular consequence: missense variant.
Genome position (GRCh38, 1-based): chr12:132,639,230, T>C on the plus strand (A>G on the coding strand, the complement: POLE is on the minus strand). VCF-style: chr12-132639230-T-C. GRCh37 (hg19) VCF-style: chr12-133215816-T-C.
Other names: short protein forms N1816S.
Identifiers: ClinVar variation 2842900 (VCV002842900.3), dbSNP rs2138510238, ClinGen allele CA387374790.

ClinVar aggregate classification (germline): Uncertain significance (1 of 4 stars; one submission).

Allele frequency attached by ClinVar (database versions not stated): gnomAD exomes below 0.00001.
gnomAD v4.1: 1 of 1,614,070 alleles (0.000062%); highest among the groups gnomAD compares: Non-Finnish European, 0.000085%; no homozygotes.

Submission:

Labcorp Genetics (formerly Invitae), Labcorp
Classification: Uncertain significance. Last evaluated: 2025-06-27. Review status: criteria provided, single submitter. Criteria: Invitae Variant Classification Sherloc (09022015). Collection method: clinical testing. Allele origin: germline.
Comment: This sequence change replaces asparagine, which is neutral and polar, with serine, which is neutral and polar, at codon 1816 of the POLE protein (p.Asn1816Ser). This variant is not present in population databases (gnomAD no frequency). This variant has not been reported in the literature in individuals affected with POLE-related conditions. ClinVar contains an entry for this variant (Variation ID: 2842900). Invitae Evidence Modeling of protein sequence and biophysical properties (such as structural, functional, and spatial information, amino acid conservation, physicochemical variation, residue mobility, and thermodynamic stability) indicates that this missense variant is not expected to disrupt POLE protein function with a negative predictive value of 80%. In summary, the available evidence is currently insufficient to determine the role of this variant in disease. Therefore, it has been classified as a Variant of Uncertain Significance.